The following is an entry in ClinVar:

ClinVar aggregate classification (germline): Conflicting classifications of pathogenicity. Review status: criteria provided, conflicting classifications (1 of 4 stars). 7 submissions from 7 submitters: Pathogenic (1); Likely pathogenic (5); Uncertain significance (1). Last evaluated 2026-02-09.

Conditions:
Congenital myasthenic syndrome 4A. Also called: Myasthenic syndrome, congenital, 4a, slow-channel; CONGENITAL MYASTHENIC SYNDROME TYPE Ia1; MYASTHENIC SYNDROME, CONGENITAL, 4A, SLOW-CHANNEL, AUTOSOMAL RECESSIVE. Identifiers: Orphanet 590, MedGen C4225413, MONDO:0011600, OMIM 605809.
Congenital myasthenic syndrome 4C (CMS4C). Also called: Myasthenic syndrome, congenital, associated with acetylcholine receptor deficiency. Identifiers: Orphanet 590, MedGen C1837091, MONDO:0012157, OMIM 608931.
Congenital myasthenic syndrome 4B. Also called: Myasthenic syndrome, congenital, 4b, fast-channel. Identifiers: Orphanet 590, MedGen C4225369, MONDO:0014586, OMIM 616324.
Congenital myasthenic syndrome (CMS). Also called: Congenital Myasthenic Syndromes. Identifiers: Orphanet 590, MedGen C0751882, MeSH D020294, MONDO:0018940.

Allele frequency attached by ClinVar (database versions not stated): gnomAD 0.00001; TOPMed 0.00001.
gnomAD v4.1: 6 of 1,607,968 alleles (0.00037%); highest among the groups gnomAD compares: Admixed American, 0.0084%; no homozygotes.

Submissions (7):

GeneDx
Classification: Uncertain significance. Last evaluated: 2026-02-09. Review status: criteria provided, single submitter. Criteria: GeneDx Variant Classification Process June 2021. Collection method: clinical testing. Allele origin: germline.
Comment: Canonical splice site variant predicted to result in a null allele in a gene for which loss of function is a known mechanism of disease; Has not been previously published as pathogenic or benign to our knowledge

Myriad Genetics, Inc.
Classification: Likely pathogenic for Congenital myasthenic syndrome. Last evaluated: 2025-06-10. Review status: criteria provided, single submitter. Criteria: Myriad Autosomal Dominant, Autosomal Recessive and X-Linked Classification Criteria (2023). Collection method: clinical testing. Allele origin: unknown.
Comment: NM_000080.3(CHRNE):c.1220-1G>A is a variant in a canonical splice site classified as likely pathogenic in the context of congenital myasthenic syndrome, CHRNE-related. c.1220-1G>A has not been observed in cases with relevant disease. Relevant functional assessments of this variant are not available in the literature. c.1220-1G>A has been observed in referenced population frequency databases. In summary, NM_000080.3(CHRNE):c.1220-1G>A is a variant in a canonical splice site in a gene where loss of function is a known mechanism of disease and is predicted to disrupt protein function. Please note: this variant was assessed in the context of healthy population screening.

Natera, Inc.
Classification: Likely pathogenic for Congenital myasthenic syndrome. Last evaluated: 2025-03-19. Review status: criteria provided, single submitter. Criteria: Natera Variant Classification Schema (03/2026). Collection method: clinical testing. Allele origin: germline.
Comment: The c.1220-1G>A variant in CHRNE is a canonical splice acceptor site variant predicted to affect pre-mRNA splicing, which may result in an abnormal transcript and altered protein product. This variant is expected to result in nonsense mediated decay, truncation, or a dysfunctional protein product. This variant is rare in the general population with a frequency below the threshold expected for the associated phenotype(s). Given the available evidence, this variant is classified as Likely Pathogenic.

Fulgent Genetics
Classification: Likely pathogenic for Congenital myasthenic syndrome 4A; Congenital myasthenic syndrome 4C; Congenital myasthenic syndrome 4B. Last evaluated: 2024-06-11. Review status: criteria provided, single submitter. Criteria: ACMG Guidelines, 2015. Collection method: clinical testing. Allele origin: germline.

Labcorp Genetics (formerly Invitae), Labcorp
Classification: Likely pathogenic for Congenital myasthenic syndrome 4A. Last evaluated: 2024-01-29. Review status: criteria provided, single submitter. Criteria: Invitae Variant Classification Sherloc (09022015). Collection method: clinical testing. Allele origin: germline.
Comment: This sequence change affects an acceptor splice site in intron 10 of the CHRNE gene. It is expected to disrupt RNA splicing. Variants that disrupt the donor or acceptor splice site typically lead to a loss of protein function (PMID: 16199547), and loss-of-function variants in CHRNE are known to be pathogenic (PMID: 22678886). This variant is present in population databases (rs373710822, gnomAD 0.02%). This variant has not been reported in the literature in individuals affected with CHRNE-related conditions. ClinVar contains an entry for this variant (Variation ID: 860192). Algorithms developed to predict the effect of sequence changes on RNA splicing suggest that this variant may disrupt the consensus splice site. In summary, the currently available evidence indicates that the variant is pathogenic, but additional data are needed to prove that conclusively. Therefore, this variant has been classified as Likely Pathogenic.

Baylor Genetics
Classification: Pathogenic for Congenital myasthenic syndrome 4A. Last evaluated: 2023-07-13. Review status: criteria provided, single submitter. Criteria: ACMG Guidelines, 2015. Collection method: clinical testing. Allele origin: unknown.

Revvity Omics, Revvity
Classification: Likely pathogenic. Last evaluated: 2022-04-12. Review status: criteria provided, single submitter. Criteria: ACMG Guidelines, 2015. Collection method: clinical testing. Allele origin: germline.

Literature cited by the submitters: PubMed 16199547 (cited by Labcorp Genetics (formerly Invitae), Labcorp); PubMed 22678886 (cited by Labcorp Genetics (formerly Invitae), Labcorp).

NM_000080.4(CHRNE):c.1220-1G>A

Gene: CHRNE (cholinergic receptor nicotinic epsilon subunit; minus strand). Cytogenetic location: 17p13.2.
Variant type: single nucleotide variant.
Coding change: c.1220-1G>A on transcript NM_000080.4 (MANE Select); the canonical splice acceptor site of the intron before coding-DNA position 1220, G replaced by A.
Molecular consequence: splice acceptor variant.
Genome position (GRCh38, 1-based): chr17:4,899,108, C>T on the plus strand (G>A on the coding strand, the complement: CHRNE is on the minus strand). VCF-style: chr17-4899108-C-T. GRCh37 (hg19) VCF-style: chr17-4802403-C-T.
Identifiers: ClinVar variation 860192 (VCV000860192.15), dbSNP rs373710822, ClinGen allele CA8313934.